The following is an entry in ClinVar:

ClinVar aggregate classification (germline): Likely pathogenic (1 of 4 stars; one submission).

Conditions:
Epilepsy, childhood absence, susceptibility to, 1. Also called: Epilepsy, childhood absence 1. Identifiers: Orphanet 64280, MedGen C1838604, MONDO:0020759, OMIM 600131.
Epilepsy, childhood absence, susceptibility to, 5. Identifiers: Orphanet 64280, MedGen C2677087, MONDO:0012843, OMIM 612269.

Submission:

Labcorp Genetics (formerly Invitae), Labcorp
Classification: Likely pathogenic for Epilepsy, childhood absence, susceptibility to, 5; Epilepsy, childhood absence, susceptibility to, 1. Last evaluated: 2024-12-17. Review status: criteria provided, single submitter. Criteria: Invitae Variant Classification Sherloc (09022015). Collection method: clinical testing. Allele origin: germline.
Comment: This sequence change affects a donor splice site in intron 6 of the GABRB3 gene. It is expected to disrupt RNA splicing. Variants that disrupt the donor or acceptor splice site typically lead to a loss of protein function (PMID: 16199547), and loss-of-function variants in GABRB3 are known to be pathogenic (PMID: 26950270, 28053010). This variant is not present in population databases (gnomAD no frequency). This variant has not been reported in the literature in individuals affected with GABRB3-related conditions. Algorithms developed to predict the effect of sequence changes on RNA splicing suggest that this variant may disrupt the consensus splice site. In summary, the currently available evidence indicates that the variant is pathogenic, but additional data are needed to prove that conclusively. Therefore, this variant has been classified as Likely Pathogenic.

Literature cited by the submitters: PubMed 16199547; PubMed 26950270; PubMed 28053010.

NM_000814.6(GABRB3):c.682+1G>A

Gene: GABRB3 (gamma-aminobutyric acid type A receptor subunit beta3; minus strand). Cytogenetic location: 15q12.
Variant type: single nucleotide variant.
Coding change: c.682+1G>A on transcript NM_000814.6 (MANE Select); the canonical splice donor site of the intron after coding-DNA position 682, G replaced by A.
Molecular consequence: splice donor variant.
Genome position (GRCh38, 1-based): chr15:26,580,318, C>T on the plus strand (G>A on the coding strand, the complement: GABRB3 is on the minus strand). VCF-style: chr15-26580318-C-T. GRCh37 (hg19) VCF-style: chr15-26825465-C-T.
Other names: c.682+1G>A (NM_021912.5); c.427+1G>A (NM_001278631.2, NM_001191320.2); c.469+1G>A (NM_001191321.3).
Identifiers: ClinVar variation 3759793 (VCV003759793.2).